The following is an entry in ClinVar:

NM_032790.4(ORAI1):c.752T>C (p.Ile251Thr)

Gene: ORAI1 (ORAI calcium release-activated calcium modulator 1; plus strand). Cytogenetic location: 12q24.31.
Variant type: single nucleotide variant.
Coding change: c.752T>C on transcript NM_032790.4 (MANE Select); coding-DNA position 752, T replaced by C.
Protein change: p.Ile251Thr; replaces isoleucine 251 with threonine.
Molecular consequence: missense variant. On other transcripts: non-coding transcript variant (1).
Genome position (GRCh38, 1-based): chr12:121,641,489, T>C. VCF-style: chr12-121641489-T-C. GRCh37 (hg19) VCF-style: chr12-122079395-T-C.
Other names: short protein forms I251T.
Identifiers: ClinVar variation 2948734 (VCV002948734.3), dbSNP rs2503544465, ClinGen allele CA386984379.
Genomic context (GRCh38, chr12:121,641,489, plus strand): 5'-CGGGCCAGGCAGCTGCCATCGCCTCGACCACCATCATGGTGCCCTTCGGCCTGATCTTTA[T>C]CGTCTTCGCCGTCCACTTCTACCGCTCACTGGTTAGCCATAAGACTGACCGACAGTTCCA-3'
Protein context (NP_116179.2, residues 241-261): TIMVPFGLIF[Ile251Thr]VFAVHFYRSL

ClinVar aggregate classification (germline): Uncertain significance (1 of 4 stars; one submission).

Conditions:
Myopathy, tubular aggregate, 2 (TAM2). Identifiers: MedGen C4014557, MONDO:0014383, OMIM 615883.
Combined immunodeficiency due to ORAI1 deficiency. Also called: IMMUNODEFICIENCY 9. Identifiers: Orphanet 169090, Orphanet 317428, MedGen C2748568, MONDO:0013007, OMIM 612782.

Submission:

Labcorp Genetics (formerly Invitae), Labcorp
Classification: Uncertain significance for Myopathy, tubular aggregate, 2; Combined immunodeficiency due to ORAI1 deficiency. Last evaluated: 2023-06-09. Review status: criteria provided, single submitter. Criteria: Invitae Variant Classification Sherloc (09022015). Collection method: clinical testing. Allele origin: germline.
Comment: This sequence change replaces isoleucine, which is neutral and non-polar, with threonine, which is neutral and polar, at codon 251 of the ORAI1 protein (p.Ile251Thr). This variant is not present in population databases (gnomAD no frequency). This variant has not been reported in the literature in individuals affected with ORAI1-related conditions. Experimental studies and prediction algorithms are not available or were not evaluated, and the functional significance of this variant is currently unknown. In summary, the available evidence is currently insufficient to determine the role of this variant in disease. Therefore, it has been classified as a Variant of Uncertain Significance.